The following is an entry in ClinVar:

NM_001184.4(ATR):c.4171A>T (p.Ser1391Cys)

Gene: ATR (ATR checkpoint kinase; minus strand). Cytogenetic location: 3q23.
Variant type: single nucleotide variant.
Coding change: c.4171A>T on transcript NM_001184.4 (MANE Select); coding-DNA position 4171, A replaced by T.
Protein change: p.Ser1391Cys; replaces serine 1391 with cysteine.
Molecular consequence: missense variant.
Genome position (GRCh38, 1-based): chr3:142,522,823, T>A on the plus strand (A>T on the coding strand, the complement: ATR is on the minus strand). VCF-style: chr3-142522823-T-A. GRCh37 (hg19) VCF-style: chr3-142241665-T-A.
Other names: c.3979A>T, p.Ser1327Cys (NM_001354579.2); short protein forms S1327C, S1391C.
Identifiers: ClinVar variation 1738423 (VCV001738423.2), dbSNP rs1355032428, ClinGen allele CA354801582.

ClinVar aggregate classification (germline): Uncertain significance (1 of 4 stars; one submission).

Conditions:
Inborn genetic diseases. Identifiers: MedGen C0950123, MeSH D030342.

Submission:

Ambry Genetics
Classification: Uncertain significance for Inborn genetic diseases. Last evaluated: 2021-12-11. Review status: criteria provided, single submitter. Criteria: Ambry Variant Classification Scheme 2023. Collection method: clinical testing. Allele origin: germline.
Comment: The p.S1391C variant (also known as c.4171A>T), located in coding exon 23 of the ATR gene, results from an A to T substitution at nucleotide position 4171. The serine at codon 1391 is replaced by cysteine, an amino acid with dissimilar properties. This amino acid position is conserved. In addition, this alteration is predicted to be tolerated by in silico analysis. Since supporting evidence is limited at this time, the clinical significance of this alteration remains unclear.